The following is an entry in ClinVar:

ClinVar aggregate classification (germline): Uncertain significance. Review status: criteria provided, multiple submitters, no conflicts (2 of 4 stars). 2 submissions from 2 submitters: Uncertain significance (2). Last evaluated 2023-12-17.

Conditions:
Inborn genetic diseases. Identifiers: MedGen C0950123, MeSH D030342.

Allele frequency attached by ClinVar (database versions not stated): TOPMed below 0.00001; ExAC 0.00001; gnomAD 0.00002; 1000 Genomes Project 30x 0.00016.
gnomAD v4.1: 36 of 1,614,048 alleles (0.0022%); highest among the groups gnomAD compares: Non-Finnish European, 0.0026%; no homozygotes.

Submissions (2):

Ambry Genetics
Classification: Uncertain significance for Inborn genetic diseases. Last evaluated: 2023-12-17. Review status: criteria provided, single submitter. Criteria: Ambry Variant Classification Scheme 2023. Collection method: clinical testing. Allele origin: germline.

Labcorp Genetics (formerly Invitae), Labcorp
Classification: Uncertain significance. Last evaluated: 2022-10-26. Review status: criteria provided, single submitter. Criteria: Invitae Variant Classification Sherloc (09022015). Collection method: clinical testing. Allele origin: germline.
Comment: This variant has not been reported in the literature in individuals affected with COL9A1-related conditions. This variant is present in population databases (rs770502831, gnomAD 0.004%). This sequence change replaces glycine, which is neutral and non-polar, with serine, which is neutral and polar, at codon 899 of the COL9A1 protein (p.Gly899Ser). Advanced modeling of protein sequence and biophysical properties (such as structural, functional, and spatial information, amino acid conservation, physicochemical variation, residue mobility, and thermodynamic stability) performed at Invitae indicates that this missense variant is expected to disrupt COL9A1 protein function. In summary, the available evidence is currently insufficient to determine the role of this variant in disease. Therefore, it has been classified as a Variant of Uncertain Significance.

NM_001851.6(COL9A1):c.2695G>A (p.Gly899Ser)

Gene: COL9A1 (collagen type IX alpha 1 chain; minus strand). Cytogenetic location: 6q13.
Variant type: single nucleotide variant.
Coding change: c.2695G>A on transcript NM_001851.6 (MANE Select); coding-DNA position 2695, G replaced by A.
Protein change: p.Gly899Ser; replaces glycine 899 with serine.
Molecular consequence: missense variant. On other transcripts: non-coding transcript variant (1).
Genome position (GRCh38, 1-based): chr6:70,216,968, C>T on the plus strand (G>A on the coding strand, the complement: COL9A1 is on the minus strand). VCF-style: chr6-70216968-C-T. GRCh37 (hg19) VCF-style: chr6-70926671-C-T.
Other names: c.1996G>A, p.Gly666Ser (NM_001377289.1); c.1819G>A, p.Gly607Ser (NM_001377290.1); c.1966G>A, p.Gly656Ser (NM_078485.4); c.2695G>A (NM_001851.4); short protein forms G656S, G666S, G899S, G607S.
Identifiers: ClinVar variation 1913762 (VCV001913762.4), dbSNP rs770502831, ClinGen allele CA3881693.
Genomic context (GRCh38, chr6:70,216,968, plus strand): 5'-GCCCTTTGTTAAATGCTCGCTGACCAGCCTGCATGGTGCAGGAGGCTGGCTCACAGAAAC[C>T]GGGAAGCCCAGGAGGTCCCGGGGGTCCAGGCACTCCAGGAATTCCTGCCACCCCTGGGGG-3'
Protein context (NP_001842.3, residues 889-909): PGPPGPPGLP[Gly899Ser]FCEPASCTMQ